The following is an entry in ClinVar:

NM_181507.2(HPS5):c.666_674delinsCATACTTGCATAATTGTTTTTTTGACTTGGGATTTTAAGTTGAAAGGTGCAACAATTTGGCTAAACTTAGAAACCACTGGAATGTTTAAGAACTTAACATTTATTATATTTAAAACTTAGTCCCAGTTGCTCTGGAGGCTGAAGTGGGAGGATTGCTTGAGCCGGAGTTAGAGGCTGCAGTGAGCCATGATCTGTGCCACTACACTCCAGCCTCATATTTTAAAAATAAAAAAGCTGATGATGTTGTGGAAAGTCCTCAAATAGCCCAAGTATCGAGACCATCCTGGATAACACGGTGAAACCCCGTCTCTACTAAAAATACAAAAAAAATTAGCTGGGCGTGGTGACGGGCGCCTGTAGTCCCAGCTACTCGGGAGGCTGAGGCAGGAGAATGGCGTGAACCCGGGAGGCGCAGCTTGCAGTGAGCCGAGATTGCGCCACTGCACTCCAGCCTGGGCGACAGAGTGAGACTCTGTCTCAAAAAAAAAAAAAAAAAAAAAAAAAAAAAAAAAAAAGAAATAAATAAGAAAGACCTGAACCAGGACAGGGAAAAACAGCTAATGGAATTTATGAAGCAGGTTGACCT (p.Phe223_Pro225delinsIleLeuAlaTer)

Gene: HPS5 (HPS5 biogenesis of lysosomal organelles complex 2 subunit 2; minus strand). Cytogenetic location: 11p15.1.
Variant type: Indel.
Coding change: c.666_674delinsCATACTTGCATAATTGTTTTTTTGACTTGGGATTTTAAGTTGAAAGGTGCAACAATTTGGCTAAACTTAGAAACCACTGGAATGTTTAAGAACTTAACATTTATTATATTTAAAACTTAGTCCCAGTTGCTCTGGAGGCTGAAGTGGGAGGATTGCTTGAGCCGGAGTTAGAGGCTGCAGTGAGCCATGATCTGTGCCACTACACTCCAGCCTCATATTTTAAAAATAAAAAAGCTGATGATGTTGTGGAAAGTCCTCAAATAGCCCAAGTATCGAGACCATCCTGGATAACACGGTGAAACCCCGTCTCTACTAAAAATACAAAAAAAATTAGCTGGGCGTGGTGACGGGCGCCTGTAGTCCCAGCTACTCGGGAGGCTGAGGCAGGAGAATGGCGTGAACCCGGGAGGCGCAGCTTGCAGTGAGCCGAGATTGCGCCACTGCACTCCAGCCTGGGCGACAGAGTGAGACTCTGTCTCAAAAAAAAAAAAAAAAAAAAAAAAAAAAAAAAAAAAGAAATAAATAAGAAAGACCTGAACCAGGACAGGGAAAAACAGCTAATGGAATTTATGAAGCAGGTTGACCT on transcript NM_181507.2 (MANE Select); coding-DNA positions 666 to 674, the reference bases replaced by an inserted sequence.
Protein change: p.Phe223_Pro225delinsIleLeuAlaTer.
Molecular consequence: nonsense. On other transcripts: frameshift variant (1).
Genome position (GRCh38, 1-based): chr11:18,306,285-18,306,293, 9 bases replaced. GRCh37 (hg19): chr11:18,327,832-18,327,840.
Other names: c.324_332delinsCATACTTGCATAATTGTTTTTTTGACTTGGGATTTTAAGTTGAAAGGTGCAACAATTTGGCTAAACTTAGAAACCACTGGAATGTTTAAGAACTTAACATTTATTATATTTAAAACTTAGTCCCAGTTGCTCTGGAGGCTGAAGTGGGAGGATTGCTTGAGCCGGAGTTAGAGGCTGCAGTGAGCCATGATCTGTGCCACTACACTCCAGCCTCATATTTTAAAAATAAAAAAGCTGATGATGTTGTGGAAAGTCCTCAAATAGCCCAAGTATCGAGACCATCCTGGATAACACGGTGAAACCCCGTCTCTACTAAAAATACAAAAAAAATTAGCTGGGCGTGGTGACGGGCGCCTGTAGTCCCAGCTACTCGGGAGGCTGAGGCAGGAGAATGGCGTGAACCCGGGAGGCGCAGCTTGCAGTGAGCCGAGATTGCGCCACTGCACTCCAGCCTGGGCGACAGAGTGAGACTCTGTCTCAAAAAAAAAAAAAAAAAAAAAAAAAAAAAAAAAAAAGAAATAAATAAGAAAGACCTGAACCAGGACAGGGAAAAACAGCTAATGGAATTTATGAAGCAGGTTGACCT, p.Phe109_Pro111delinsIleLeuAlaTer (NM_007216.4); c.324_332delTTTCTTTCCinsCATACTTGCATAATTGTTTTTTTGACTTGGGATTTTAAGTTGAAAGGTGCAACAATTTGGCTAAACTTAGAAACCACTGGAATGTTTAAGAACTTAACATTTATTATATTTAAAACTTAGTCCCAGTTGCTCTGGAGGCTGAAGTGGGAGGATTGCTTGAGCCGGAGTTAGAGGCTGCAGTGAGCCATGATCTGTGCCACTACACTCCAGCCTCATATTTTAAAAATAAAAAAGCTGATGATGTTGTGGAAAGTCCTCAAATAGCCCAAGTATCGAGACCATCCTGGATAACACGGTGAAACCCCGTCTCTACTAAAAATACAAAAAAAATTAGCTGGGCGTGGTGACGGGCGCCTGTAGTCCCAGCTACTCGGGAGGCTGAGGCAGGAGAATGGCGTGAACCCGGGAGGCGCAGCTTGCAGTGAGCCGAGATTGCGCCACTGCACTCCAGCCTGGGCGACAGAGTGAGACTCTGTCTCAAAAAAAAAAAAAAAAAAAAAAAAAAAAAAAAAAAAGAAATAAATAAGAAAGACCTGAACCAGGACAGGGAAAAACAGCTAATGGAATTTATGAAGCAGGTTGACCT, p.Phe109Ilefs (NM_181508.2).
Identifiers: ClinVar variation 2693933 (VCV002693933.3), dbSNP rs2494103487, ClinGen allele CA2697548499.

ClinVar aggregate classification (germline): Pathogenic (1 of 4 stars; one submission).

Submission:

Labcorp Genetics (formerly Invitae), Labcorp
Classification: Pathogenic. Last evaluated: 2023-11-06. Review status: criteria provided, single submitter. Criteria: Invitae Variant Classification Sherloc (09022015). Collection method: clinical testing. Allele origin: germline.
Comment: This sequence change inserts a large fragment of DNA, likely a transposable element, in exon 7 of the HPS5 gene (c.666_674delins?), causing a frameshift at codon 223 (p.Phe223fs). The exact size and sequence of the insertion cannot be determined by the current assay. However, the insertion is expected to result in an absent or disrupted protein product. This variant is not present in population databases (gnomAD no frequency). This variant has not been reported in the literature in individuals affected with HPS5-related conditions. Retrotransposon insertions including LINE1 (L1), Alu, and SVA (SINE-VNTR-Alu) have been reported to be disease-causing through disruption of either a coding region or splice site (PMID: 19763152, 20307669, 22406018) and loss-of-function variants in HPS5 are known to be pathogenic (PMID: 12548288, 15296495, 21833017, 26785811). For these reasons, this variant has been classified as Pathogenic.

Literature cited by the submitters: PubMed 19763152; PubMed 20307669; PubMed 22406018; PubMed 12548288; PubMed 15296495; PubMed 21833017; PubMed 26785811.